The following is an entry in ClinVar:

NM_173560.4(RFX6):c.143C>T (p.Ala48Val)

Genes: RFX6 (regulatory factor X6; plus strand), LOC127407129 (RFX6 promoter region; plus strand). Cytogenetic location: 6q22.1.
Variant type: single nucleotide variant.
Coding change: c.143C>T on transcript NM_173560.4 (MANE Select); coding-DNA position 143, C replaced by T.
Protein change: p.Ala48Val; replaces alanine 48 with valine.
Molecular consequence: missense variant.
Genome position (GRCh38, 1-based): chr6:116,877,418, C>T. VCF-style: chr6-116877418-C-T. GRCh37 (hg19) VCF-style: chr6-117198581-C-T.
Other names: c.143C>T (NM_173560.3); short protein forms A48V.
Identifiers: ClinVar variation 917471 (VCV000917471.5), dbSNP rs200522460, ClinGen allele CA3972944.
Genomic context (GRCh38, chr6:116,877,418, plus strand): 5'-GCTGTGTGCAGCTCCTGGGCAAGGGCTTGCTAGTCTATCCGGAAGAAACAGTGTACCTGG[C>T]GGCCGAAGGGCAGCCCGGGGGCGAGCAGGGCGGCGGGGAGAAAGGCGAAGACCCGGAGCT-3'
Protein context (NP_775831.2, residues 38-58): LVYPEETVYL[Ala48Val]AEGQPGGEQG

ClinVar aggregate classification (germline): Conflicting classifications of pathogenicity. Review status: criteria provided, conflicting classifications (1 of 4 stars). 4 submissions from 4 submitters: Uncertain significance (3); Likely benign (1). Last evaluated 2026-01-12.

Conditions:
Monogenic diabetes. Identifiers: Orphanet 183625, MedGen C3888631, MONDO:0015967.

Allele frequency attached by ClinVar (database versions not stated): 1000 Genomes Project 30x 0.00031; ESP Exome Variant Server 0.00039; TOPMed 0.00036; 1000 Genomes Project 0.00040.
gnomAD v4.1: 82 of 1,600,824 alleles (0.0051%); highest among the groups gnomAD compares: African/African-American, 0.1%; no homozygotes.

Submissions (4):

Labcorp Genetics (formerly Invitae), Labcorp
Classification: Uncertain significance. Last evaluated: 2026-01-12. Review status: criteria provided, single submitter. Criteria: Invitae Variant Classification Sherloc (09022015). Collection method: clinical testing. Allele origin: germline.
Comment: This sequence change replaces alanine, which is neutral and non-polar, with valine, which is neutral and non-polar, at codon 48 of the RFX6 protein (p.Ala48Val). This variant is present in population databases (rs200522460, gnomAD 0.1%). This variant has not been reported in the literature in individuals affected with RFX6-related conditions. ClinVar contains an entry for this variant (Variation ID: 917471). An algorithm developed to predict the effect of missense changes on protein structure and function outputs the following: PolyPhen-2: "Benign". The valine amino acid residue is found in multiple mammalian species, which suggests that this missense change does not adversely affect protein function. In summary, the available evidence is currently insufficient to determine the role of this variant in disease. Therefore, it has been classified as a Variant of Uncertain Significance.

GeneDx
Classification: Uncertain significance. Last evaluated: 2024-06-04. Review status: criteria provided, single submitter. Criteria: GeneDx Variant Classification Process June 2021. Collection method: clinical testing. Allele origin: germline. Affected: yes.
Comment: In silico analysis indicates that this missense variant does not alter protein structure/function; Has not been previously published as pathogenic or benign to our knowledge

Blueprint Genetics
Classification: Uncertain significance. Last evaluated: 2021-12-07. Review status: criteria provided, single submitter. Criteria: ACMG Guidelines, 2015. Collection method: clinical testing. Allele origin: germline.

Personalized Diabetes Medicine Program, University of Maryland School of Medicine
Classification: Likely benign for Monogenic diabetes. Last evaluated: 2018-11-21. Review status: criteria provided, single submitter. Criteria: ACMG Guidelines, 2015. Collection method: research. Allele origin: unknown. Observed: 1 variant allele, 1 heterozygote.
Comment: ACMG criteria: BP4 (REVEL 0.056 + 10 predictors), BP1 (heterozygous LOF variants in RFX6 associated with reduced penetrance MODY: PMID: 29026101, majority of variants causing M-R syndrome are also LOF)= likely benign

Literature cited by the submitters: PubMed 29026101 (cited by Personalized Diabetes Medicine Program, University of Maryland School of Medicine).